The following is an entry in ClinVar:

NM_001365088.1(SLC12A6):c.1118+4C>A

Gene: SLC12A6 (solute carrier family 12 member 6; minus strand). Cytogenetic location: 15q14.
Variant type: single nucleotide variant.
Coding change: c.1118+4C>A on transcript NM_001365088.1 (MANE Select); 4 bases into the intron after coding-DNA position 1118, C replaced by A.
Molecular consequence: intron variant.
Genome position (GRCh38, 1-based): chr15:34,254,344, G>T on the plus strand (C>A on the coding strand, the complement: SLC12A6 is on the minus strand). VCF-style: chr15-34254344-G-T. GRCh37 (hg19) VCF-style: chr15-34546545-G-T.
Other names: c.941+4C>A (NM_001042495.2, NM_001042494.2); c.1091+4C>A (NM_001042496.2); c.1073+4C>A (NM_001042497.2); c.1118+4C>A (NM_133647.2); c.965+4C>A (NM_005135.2).
Identifiers: ClinVar variation 2852566 (VCV002852566.3), dbSNP rs773294017, ClinGen allele CA617554876.

ClinVar aggregate classification (germline): Uncertain significance (1 of 4 stars; one submission).

Submission:

Labcorp Genetics (formerly Invitae), Labcorp
Classification: Uncertain significance. Last evaluated: 2023-03-09. Review status: criteria provided, single submitter. Criteria: Invitae Variant Classification Sherloc (09022015). Collection method: clinical testing. Allele origin: germline.
Comment: In summary, the available evidence is currently insufficient to determine the role of this variant in disease. Therefore, it has been classified as a Variant of Uncertain Significance. Variants that disrupt the consensus splice site are a relatively common cause of aberrant splicing (PMID: 17576681, 9536098). Algorithms developed to predict the effect of sequence changes on RNA splicing suggest that this variant may disrupt the consensus splice site. This variant has not been reported in the literature in individuals affected with SLC12A6-related conditions. The frequency data for this variant in the population databases is considered unreliable, as metrics indicate poor data quality at this position in the gnomAD database. This sequence change falls in intron 8 of the SLC12A6 gene. It does not directly change the encoded amino acid sequence of the SLC12A6 protein. It affects a nucleotide within the consensus splice site.

Literature cited by the submitters: PubMed 17576681; PubMed 9536098.